The following is an entry in ClinVar:

ClinVar aggregate classification (germline): Uncertain significance (1 of 4 stars; one submission).

Submission:

Labcorp Genetics (formerly Invitae), Labcorp
Classification: Uncertain significance. Last evaluated: 2022-10-05. Review status: criteria provided, single submitter. Criteria: Invitae Variant Classification Sherloc (09022015). Collection method: clinical testing. Allele origin: germline.
Comment: In summary, the available evidence is currently insufficient to determine the role of this variant in disease. Therefore, it has been classified as a Variant of Uncertain Significance. Advanced modeling of protein sequence and biophysical properties (such as structural, functional, and spatial information, amino acid conservation, physicochemical variation, residue mobility, and thermodynamic stability) performed at Invitae indicates that this missense variant is expected to disrupt HOXB13 protein function. ClinVar contains an entry for this variant (Variation ID: 1406491). This variant has not been reported in the literature in individuals affected with HOXB13-related conditions. This variant is not present in population databases (gnomAD no frequency). This sequence change replaces phenylalanine, which is neutral and non-polar, with leucine, which is neutral and non-polar, at codon 264 of the HOXB13 protein (p.Phe264Leu).

NM_006361.6(HOXB13):c.792T>G (p.Phe264Leu)

Gene: HOXB13 (homeobox B13; minus strand). Cytogenetic location: 17q21.32.
Variant type: single nucleotide variant.
Coding change: c.792T>G on transcript NM_006361.6 (MANE Select); coding-DNA position 792, T replaced by G.
Protein change: p.Phe264Leu; replaces phenylalanine 264 with leucine.
Molecular consequence: missense variant.
Genome position (GRCh38, 1-based): chr17:48,726,853, A>C on the plus strand (T>G on the coding strand, the complement: HOXB13 is on the minus strand). VCF-style: chr17-48726853-A-C. GRCh37 (hg19) VCF-style: chr17-46804215-A-C.
Other names: short protein forms F264L.
Identifiers: ClinVar variation 1406491 (VCV001406491.8), dbSNP rs2143065697, ClinGen allele CA400105681.